The following is an entry in ClinVar:

NM_000180.4(GUCY2D):c.51C>A (p.Cys17Ter)

Gene: GUCY2D (guanylate cyclase 2D, retinal; plus strand). Cytogenetic location: 17p13.1.
Variant type: single nucleotide variant.
Coding change: c.51C>A on transcript NM_000180.4 (MANE Select); coding-DNA position 51, C replaced by A.
Protein change: p.Cys17Ter; replaces cysteine 17 with a stop codon.
Molecular consequence: nonsense.
Genome position (GRCh38, 1-based): chr17:8,003,098, C>A. VCF-style: chr17-8003098-C-A. GRCh37 (hg19) VCF-style: chr17-7906416-C-A.
Other names: short protein forms C17*.
Identifiers: ClinVar variation 2945151 (VCV002945151.3), dbSNP rs2545417252, ClinGen allele CA397942474.

ClinVar aggregate classification (germline): Pathogenic (1 of 4 stars; one submission).

Conditions:
Leber congenital amaurosis 1 (LCA1). Also called: Congenital absence of the rods and cones; Leber's congenital tapetoretinal degeneration; Leber's congenital tapetoretinal dysplasia; AMAUROSIS CONGENITA OF LEBER I; RETINAL BLINDNESS, CONGENITAL. Identifiers: Orphanet 65, MedGen C2931258, MONDO:0008764, OMIM 204000.
Cone-rod dystrophy 6 (CORD6). Also called: Cone dystrophy progressive; RETINAL CONE DYSTROPHY 2. Identifiers: Orphanet 1872, MedGen C1866293, MONDO:0011143, OMIM 601777.

Submission:

Labcorp Genetics (formerly Invitae), Labcorp
Classification: Pathogenic for Leber congenital amaurosis 1; Cone-rod dystrophy 6. Last evaluated: 2023-03-09. Review status: criteria provided, single submitter. Criteria: Invitae Variant Classification Sherloc (09022015). Collection method: clinical testing. Allele origin: germline.
Comment: This sequence change creates a premature translational stop signal (p.Cys17*) in the GUCY2D gene. It is expected to result in an absent or disrupted protein product. Loss-of-function variants in GUCY2D are known to be pathogenic (PMID: 10951519, 11328726). This variant is not present in population databases (gnomAD no frequency). This variant has not been reported in the literature in individuals affected with GUCY2D-related conditions. For these reasons, this variant has been classified as Pathogenic.

Literature cited by the submitters: PubMed 10951519; PubMed 11328726.